The following is an entry in ClinVar:

ClinVar aggregate classification (germline): Uncertain significance (1 of 4 stars; one submission).

Conditions:
DICER1-related tumor predisposition. Also called: DICER1-related pleuropulmonary blastoma cancer predisposition syndrome; DICER1 syndrome. Identifiers: Orphanet 284343, MedGen C3839822, MONDO:0100216.

Submission:

Labcorp Genetics (formerly Invitae), Labcorp
Classification: Uncertain significance for DICER1-related tumor predisposition. Last evaluated: 2023-01-06. Review status: criteria provided, single submitter. Criteria: Invitae Variant Classification Sherloc (09022015). Collection method: clinical testing. Allele origin: germline.
Comment: This variant has not been reported in the literature in individuals affected with DICER1-related conditions. Advanced modeling of protein sequence and biophysical properties (such as structural, functional, and spatial information, amino acid conservation, physicochemical variation, residue mobility, and thermodynamic stability) performed at Invitae indicates that this missense variant is not expected to disrupt DICER1 protein function. In summary, the available evidence is currently insufficient to determine the role of this variant in disease. Therefore, it has been classified as a Variant of Uncertain Significance. This variant is not present in population databases (gnomAD no frequency). This sequence change replaces alanine, which is neutral and non-polar, with threonine, which is neutral and polar, at codon 1247 of the DICER1 protein (p.Ala1247Thr).

NM_177438.3(DICER1):c.3739G>A (p.Ala1247Thr)

Gene: DICER1 (dicer 1, ribonuclease III; minus strand). Cytogenetic location: 14q32.13.
Variant type: single nucleotide variant.
Coding change: c.3739G>A on transcript NM_177438.3 (MANE Select); coding-DNA position 3739, G replaced by A.
Protein change: p.Ala1247Thr; replaces alanine 1247 with threonine.
Molecular consequence: missense variant. On other transcripts: non-coding transcript variant (6).
Genome position (GRCh38, 1-based): chr14:95,103,657, C>T on the plus strand (G>A on the coding strand, the complement: DICER1 is on the minus strand). VCF-style: chr14-95103657-C-T. GRCh37 (hg19) VCF-style: chr14-95569994-C-T.
Other names: c.3739G>A, p.Ala1247Thr (NM_001195573.1, NM_001271282.3, NM_001291628.2 and 13 more transcripts); c.3457G>A, p.Ala1153Thr (NM_001395686.1); c.3334G>A, p.Ala1112Thr (NM_001395687.1, NM_001395688.1, NM_001395689.1 and 2 more transcripts); c.3172G>A, p.Ala1058Thr (NM_001395691.1); c.2056G>A, p.Ala686Thr (NM_001395697.1); short protein forms A1058T, A1112T, A686T, A1153T, A1247T.
Identifiers: ClinVar variation 2826593 (VCV002826593.3), dbSNP rs2542699631, ClinGen allele CA390874209.